The following is an entry in ClinVar:

ClinVar aggregate classification (germline): Likely benign (1 of 4 stars; one submission).

Allele frequency attached by ClinVar (database versions not stated): gnomAD 0.00063; TOPMed 0.00063; ExAC 0.00069; ESP Exome Variant Server 0.00100; gnomAD exomes 0.00112.
gnomAD v4.1: 1,725 of 1,614,218 alleles (0.11%); highest among the groups gnomAD compares: Non-Finnish European, 0.13%; 4 homozygotes.

Submission:

CeGaT Center for Human Genetics Tuebingen
Classification: Likely benign. Last evaluated: 2022-06-01. Review status: criteria provided, single submitter. Criteria: CeGaT Center For Human Genetics Tuebingen Variant Classification Criteria Version 2. Collection method: clinical testing. Allele origin: germline. Affected: yes. Observed: 1 variant allele.
Comment: DMGDH: BS2

NM_013391.3(DMGDH):c.893A>C (p.Tyr298Ser)

Gene: DMGDH (dimethylglycine dehydrogenase; minus strand). Cytogenetic location: 5q14.1.
Variant type: single nucleotide variant.
Coding change: c.893A>C on transcript NM_013391.3 (MANE Select); coding-DNA position 893, A replaced by C.
Protein change: p.Tyr298Ser; replaces tyrosine 298 with serine.
Molecular consequence: missense variant. On other transcripts: non-coding transcript variant (1).
Genome position (GRCh38, 1-based): chr5:79,044,405, T>G on the plus strand (A>C on the coding strand, the complement: DMGDH is on the minus strand). VCF-style: chr5-79044405-T-G. GRCh37 (hg19) VCF-style: chr5-78340228-T-G.
Other names: short protein forms Y298S.
Identifiers: ClinVar variation 2655555 (VCV002655555.24), dbSNP rs142181836, ClinGen allele CA3318861.